The following is an entry in ClinVar:

NM_000891.3(KCNJ2):c.748A>G (p.Ile250Val)

Gene: KCNJ2 (potassium inwardly rectifying channel subfamily J member 2; plus strand). Cytogenetic location: 17q24.3.
Variant type: single nucleotide variant.
Coding change: c.748A>G on transcript NM_000891.3 (MANE Select); coding-DNA position 748, A replaced by G.
Protein change: p.Ile250Val; replaces isoleucine 250 with valine.
Molecular consequence: missense variant.
Genome position (GRCh38, 1-based): chr17:70,175,787, A>G. VCF-style: chr17-70175787-A-G. GRCh37 (hg19) VCF-style: chr17-68171928-A-G.
Other names: short protein forms I250V.
Identifiers: ClinVar variation 4794847 (VCV004794847.1).
Genomic context (GRCh38, chr17:70,175,787, plus strand): 5'-CAGCTCCTCAAATCCAGAATTACTTCTGAAGGGGAGTATATCCCTCTGGATCAAATAGAC[A>G]TCAATGTTGGGTTTGACAGTGGAATCGATCGTATATTTCTGGTGTCCCCAATCACTATAG-3'
Protein context (NP_000882.1, residues 240-260): GEYIPLDQID[Ile250Val]NVGFDSGIDR

ClinVar aggregate classification (germline): Uncertain significance (1 of 4 stars; one submission).

Conditions:
Andersen Tawil syndrome (LQT7). Also called: LONG QT SYNDROME 7; PERIODIC PARALYSIS, POTASSIUM-SENSITIVE CARDIODYSRHYTHMIC TYPE; Andersen Syndrome; ANDERSEN CARDIODYSRHYTHMIC PERIODIC PARALYSIS; Potassium-sensitive periodic paralysis, ventricular ectopy, and dysmorphic features. Identifiers: Orphanet 37553, MedGen C1563715, MONDO:0008222, OMIM 170390.
Short QT syndrome type 3. Identifiers: Orphanet 51083, MedGen C1865018, MONDO:0012314, OMIM 609622.

Submission:

Labcorp Genetics (formerly Invitae), Labcorp
Classification: Uncertain significance for Short QT syndrome type 3; Andersen Tawil syndrome. Last evaluated: 2025-07-07. Review status: criteria provided, single submitter. Criteria: Invitae Variant Classification Sherloc (09022015). Collection method: clinical testing. Allele origin: germline.
Comment: This sequence change replaces isoleucine, which is neutral and non-polar, with valine, which is neutral and non-polar, at codon 250 of the KCNJ2 protein (p.Ile250Val). This variant is not present in population databases (gnomAD no frequency). This variant has not been reported in the literature in individuals affected with KCNJ2-related conditions. Invitae Evidence Modeling of protein sequence and biophysical properties (such as structural, functional, and spatial information, amino acid conservation, physicochemical variation, residue mobility, and thermodynamic stability) indicates that this missense variant is not expected to disrupt KCNJ2 protein function with a negative predictive value of 95%. In summary, the available evidence is currently insufficient to determine the role of this variant in disease. Therefore, it has been classified as a Variant of Uncertain Significance.